The following is an entry in ClinVar:

NM_172107.4(KCNQ2):c.1793C>T (p.Ala598Val)

Gene: KCNQ2 (potassium voltage-gated channel subfamily Q member 2; minus strand). Cytogenetic location: 20q13.33.
Variant type: single nucleotide variant.
Coding change: c.1793C>T on transcript NM_172107.4 (MANE Select); coding-DNA position 1793, C replaced by T.
Protein change: p.Ala598Val; replaces alanine 598 with valine.
Molecular consequence: missense variant.
Genome position (GRCh38, 1-based): chr20:63,408,507, G>A on the plus strand (C>T on the coding strand, the complement: KCNQ2 is on the minus strand). VCF-style: chr20-63408507-G-A. GRCh37 (hg19) VCF-style: chr20-62039860-G-A.
Other names: p.A598V:GCG>GTG; c.1847C>T, p.Ala616Val (NM_001382235.1); c.1736C>T, p.Ala579Val (NM_001439003.1); c.1706C>T, p.Ala569Val (NM_001439004.1); c.1709C>T, p.Ala570Val (NM_004518.6); c.1739C>T, p.Ala580Val (NM_172106.3); c.1700C>T, p.Ala567Val (NM_172108.5); short protein forms A598V, A567V, A580V, A570V, A616V, A569V, A579V.
Identifiers: ClinVar variation 205922 (VCV000205922.12), dbSNP rs746079131, ClinGen allele CA315498.

ClinVar aggregate classification (germline): Uncertain significance. Review status: criteria provided, multiple submitters, no conflicts (2 of 4 stars). 2 submissions from 2 submitters: Uncertain significance (2). Last evaluated 2022-09-26.

Conditions:
Early-infantile DEE. Also called: Early infantile epileptic encephalopathy; Ohtahara syndrome; Early infantile epileptic encephalopathy with suppression bursts. Identifiers: Orphanet 1934, MedGen C0393706, MONDO:0800491.

Allele frequency attached by ClinVar (database versions not stated): gnomAD exomes below 0.00001 and 0.00001; TOPMed below 0.00001; ExAC 0.00001; gnomAD 0.00001.
gnomAD v4.1: 10 of 1,609,550 alleles (0.00062%); highest among the groups gnomAD compares: East Asian, 0.0022%; no homozygotes.

Submissions (2):

Labcorp Genetics (formerly Invitae), Labcorp
Classification: Uncertain significance for Early-infantile DEE. Last evaluated: 2022-09-26. Review status: criteria provided, single submitter. Criteria: Invitae Variant Classification Sherloc (09022015). Collection method: clinical testing. Allele origin: germline.
Comment: This sequence change replaces alanine, which is neutral and non-polar, with valine, which is neutral and non-polar, at codon 598 of the KCNQ2 protein (p.Ala598Val). The frequency data for this variant in the population databases is considered unreliable, as metrics indicate poor data quality at this position in the gnomAD database. This variant has not been reported in the literature in individuals affected with KCNQ2-related conditions. ClinVar contains an entry for this variant (Variation ID: 205922). Algorithms developed to predict the effect of missense changes on protein structure and function (SIFT, PolyPhen-2, Align-GVGD) all suggest that this variant is likely to be tolerated. In summary, the available evidence is currently insufficient to determine the role of this variant in disease. Therefore, it has been classified as a Variant of Uncertain Significance.

GeneDx
Classification: Uncertain significance. Last evaluated: 2014-03-27. Review status: criteria provided, single submitter. Criteria: GeneDx Variant Classification (06012015). Collection method: clinical testing. Allele origin: germline. Affected: yes.
Comment: A variant of unknown significance has been identified in the KCNQ2 gene. The A598V variant has not been published as a mutation, nor has it been reported as a benign polymorphism to our knowledge. It was not observed in approximately 6,500 individuals of European and African American ancestry in the NHLBI Exome Sequencing Project, indicating it is not a common benign variant in these populations. The A598V variant is a conservative amino acid substitution, which is not likely to impact secondary protein structure as these residues share similar properties. This substitution occurs at a position that is not conserved across species, and in silico analysis predicts this variant likely does not alter the protein structure/function. However, a missense mutation in a nearby residue (I592M) has been reported in association with rolandic epilepsy without neonatal seizures, supporting the functional importance of this region of the protein. The identification of A598V suggests that A598V may be a benign variant not associated with the child's phenotype; however, the possibility that it is a disease-associated mutation cannot be excluded since some individuals with KCNQ2 mutations never develop seizures due to incomplete penetrance (Bellini et al., 2011; Soldovieri et al., 2007). Therefore, the identification of A598V in this unaffected parent does not clarify the clinical significance of the variant. The variant is found in INFANT-EPI panel(s).